The following is an entry in ClinVar:

NM_003737.4(DCHS1):c.5856T>C (p.Asp1952=)

Gene: DCHS1 (dachsous cadherin-related 1; minus strand). Cytogenetic location: 11p15.4.
Variant type: single nucleotide variant.
Coding change: c.5856T>C on transcript NM_003737.4 (MANE Select); coding-DNA position 5856, T replaced by C.
Protein change: p.Asp1952=; no amino-acid change (aspartic acid 1952 retained).
Molecular consequence: synonymous variant.
Genome position (GRCh38, 1-based): chr11:6,627,183, A>G on the plus strand (T>C on the coding strand, the complement: DCHS1 is on the minus strand). VCF-style: chr11-6627183-A-G. GRCh37 (hg19) VCF-style: chr11-6648414-A-G.
Identifiers: ClinVar variation 720435 (VCV000720435.31), dbSNP rs185526593, ClinGen allele CA5860009.
Genomic context (GRCh38, chr11:6,627,183, plus strand): 5'-TGGGCGGGGCAGACGTAGGCGCAGAGGACTGGTGGGGAAGGTGGGTGCATGGTCATTGAC[A>G]TCGCGCACCGTGATGGTGACAGACACTGTGGTGCTTAGGGGCCCAGCAGCTGCACCATCC-3'
Protein context (NP_003728.1, residues 1942-1962): TTVSVTITVR[Asp1952=]VNDHAPTFPT

ClinVar aggregate classification (germline): Benign/Likely benign. Review status: criteria provided, multiple submitters, no conflicts (2 of 4 stars). 3 submissions from 3 submitters: Benign (2); Likely benign (1). Last evaluated 2026-09-01.

Allele frequency attached by ClinVar (database versions not stated): TOPMed 0.00241; gnomAD exomes 0.00259 and 0.00077; 1000 Genomes Project 30x 0.00375; 1000 Genomes Project 0.00439; ESP Exome Variant Server 0.00008; gnomAD 0.00172 and 0.00194; ExAC 0.00223.
gnomAD v4.1: 1,428 of 1,612,868 alleles (0.089%); highest among the groups gnomAD compares: Admixed American, 1.2%; 13 homozygotes.

Submissions (3):

CeGaT Center for Human Genetics Tuebingen
Classification: Benign. Last evaluated: 2026-09-01. Review status: criteria provided, single submitter. Criteria: CeGaT Center For Human Genetics Tuebingen Variant Classification Criteria Version 2. Collection method: clinical testing. Allele origin: germline. Affected: yes. Observed: 9 variant alleles.
Comment: DCHS1: BP4, BP7, BS1, BS2

Labcorp Genetics (formerly Invitae), Labcorp
Classification: Benign. Last evaluated: 2026-02-02. Review status: criteria provided, single submitter. Criteria: Invitae Variant Classification Sherloc (09022015). Collection method: clinical testing. Allele origin: germline.

GeneDx
Classification: Likely benign. Last evaluated: 2019-02-28. Review status: criteria provided, single submitter. Criteria: GeneDx Variant Classification Process June 2021. Collection method: clinical testing. Allele origin: germline. Affected: yes.